The following is an entry in ClinVar:

ClinVar aggregate classification (germline): Uncertain significance (1 of 4 stars; one submission).

gnomAD v4.1: 22 of 1,609,682 alleles (0.0014%); highest among the groups gnomAD compares: South Asian, 0.02%; no homozygotes.

Submission:

Labcorp Genetics (formerly Invitae), Labcorp
Classification: Uncertain significance. Last evaluated: 2022-06-05. Review status: criteria provided, single submitter. Criteria: Invitae Variant Classification Sherloc (09022015). Collection method: clinical testing. Allele origin: germline.
Comment: This sequence change affects codon 363 of the NBAS mRNA. It is a 'silent' change, meaning that it does not change the encoded amino acid sequence of the NBAS protein. This variant is present in population databases (rs375726902, gnomAD 0.01%). This variant has not been reported in the literature in individuals affected with NBAS-related conditions. Algorithms developed to predict the effect of sequence changes on RNA splicing suggest that this variant may disrupt the consensus splice site. In summary, the available evidence is currently insufficient to determine the role of this variant in disease. Therefore, it has been classified as a Variant of Uncertain Significance.

NM_015909.4(NBAS):c.1089C>T (p.Gly363=)

Gene: NBAS (NBAS subunit of NRZ tethering complex; minus strand). Cytogenetic location: 2p24.3.
Variant type: single nucleotide variant.
Coding change: c.1089C>T on transcript NM_015909.4 (MANE Select); coding-DNA position 1089, C replaced by T.
Protein change: p.Gly363=; no amino-acid change (glycine 363 retained).
Molecular consequence: synonymous variant. On other transcripts: non-coding transcript variant (1).
Genome position (GRCh38, 1-based): chr2:15,478,284, G>A on the plus strand (C>T on the coding strand, the complement: NBAS is on the minus strand). VCF-style: chr2-15478284-G-A. GRCh37 (hg19) VCF-style: chr2-15618408-G-A.
Identifiers: ClinVar variation 1939516 (VCV001939516.5), dbSNP rs375726902, ClinGen allele CA1536790.